The following is an entry in ClinVar:

NM_018129.4(PNPO):c.147G>A (p.Glu49=)

Gene: PNPO (pyridoxamine 5'-phosphate oxidase; plus strand). Cytogenetic location: 17q21.32.
Variant type: single nucleotide variant.
Coding change: c.147G>A on transcript NM_018129.4 (MANE Select); coding-DNA position 147, G replaced by A.
Protein change: p.Glu49=; no amino-acid change (glutamic acid 49 retained).
Molecular consequence: synonymous variant.
Genome position (GRCh38, 1-based): chr17:47,943,314, G>A. VCF-style: chr17-47943314-G-A. GRCh37 (hg19) VCF-style: chr17-46020680-G-A.
Identifiers: ClinVar variation 378403 (VCV000378403.9), dbSNP rs151112202, ClinGen allele CA8629116.

ClinVar aggregate classification (germline): Likely benign. Review status: criteria provided, multiple submitters, no conflicts (2 of 4 stars). 2 submissions from 2 submitters: Likely benign (2). Last evaluated 2026-01-28.

Conditions:
Pyridoxal phosphate-responsive seizures (PNPOD). Also called: Pyridoxine-5'-phosphate oxidase deficiency; Pyridoxamine 5-Prime-Phosphate Oxidase Deficiency; Pyridoxal 5'-Phosphate (PLP)-Dependent Epilepsy; EPILEPTIC ENCEPHALOPATHY, NEONATAL, PNPO-RELATED; SEIZURES, PYRIDOXINE-RESISTANT, PLP-SENSITIVE. Identifiers: Orphanet 79096, MedGen C1864723, MONDO:0012407, OMIM 610090. Disease mechanism: loss of function.

Allele frequency attached by ClinVar (database versions not stated): gnomAD exomes 0.00001 and 0.00002; ExAC 0.00004; gnomAD 0.00009; TOPMed 0.00009; ESP Exome Variant Server 0.00015; 1000 Genomes Project 30x 0.00016; 1000 Genomes Project 0.00020.
gnomAD v4.1: 24 of 1,613,406 alleles (0.0015%); highest among the groups gnomAD compares: African/African-American, 0.024%; no homozygotes.

Submissions (2):

Labcorp Genetics (formerly Invitae), Labcorp
Classification: Likely benign for Pyridoxal phosphate-responsive seizures. Last evaluated: 2026-01-28. Review status: criteria provided, single submitter. Criteria: Invitae Variant Classification Sherloc (09022015). Collection method: clinical testing. Allele origin: germline.

GeneDx
Classification: Likely benign. Last evaluated: 2017-01-12. Review status: criteria provided, single submitter. Criteria: GeneDx Variant Classification (06012015). Collection method: clinical testing. Allele origin: germline. Affected: yes.
Comment: This variant is considered likely benign or benign based on one or more of the following criteria: it is a conservative change, it occurs at a poorly conserved position in the protein, it is predicted to be benign by multiple in silico algorithms, and/or has population frequency not consistent with disease.